The following is an entry in ClinVar:

NM_001276270.2(MBD4):c.242A>G (p.Glu81Gly)

Gene: MBD4 (methyl-CpG binding domain 4, DNA glycosylase; minus strand). Cytogenetic location: 3q21.3.
Variant type: single nucleotide variant.
Coding change: c.242A>G on transcript NM_001276270.2 (MANE Select); coding-DNA position 242, A replaced by G.
Protein change: p.Glu81Gly; replaces glutamic acid 81 with glycine.
Molecular consequence: missense variant.
Genome position (GRCh38, 1-based): chr3:129,437,813, T>C on the plus strand (A>G on the coding strand, the complement: MBD4 is on the minus strand). VCF-style: chr3-129437813-T-C. GRCh37 (hg19) VCF-style: chr3-129156656-T-C.
Other names: c.242A>G, p.Glu81Gly (NM_001276271.2, NM_001276272.2, NM_001276273.2 and 1 more transcripts); short protein forms E81G.
Identifiers: ClinVar variation 4624416 (VCV004624416.1).

ClinVar aggregate classification (germline): Uncertain significance (1 of 4 stars; one submission).

Conditions:
Inborn genetic diseases. Identifiers: MedGen C0950123, MeSH D030342.

Submission:

Ambry Genetics
Classification: Uncertain significance for Inborn genetic diseases. Last evaluated: 2025-11-19. Review status: criteria provided, single submitter. Criteria: Ambry Variant Classification Scheme 2023. Collection method: clinical testing. Allele origin: germline.
Comment: The p.E81G variant (also known as c.242A>G), located in coding exon 2 of the MBD4 gene, results from an A to G substitution at nucleotide position 242. The glutamic acid at codon 81 is replaced by glycine, an amino acid with similar properties. This amino acid position is well conserved in available vertebrate species. In addition, the in silico prediction for this alteration is inconclusive. Based on the available evidence, the clinical significance of this variant remains unclear.